The following is an entry in ClinVar:

ClinVar aggregate classification (germline): Uncertain significance (1 of 4 stars; one submission).

Submission:

Women's Health and Genetics/Laboratory Corporation of America, LabCorp
Classification: Uncertain significance. Last evaluated: 2023-09-22. Review status: criteria provided, single submitter. Criteria: LabCorp Variant Classification Summary - May 2015. Collection method: clinical testing. Allele origin: germline.
Comment: Variant summary: SERPINI1 c.757A>T (p.Met253Leu) results in a conservative amino acid change located in the Serpin domain (IPR023796) of the encoded protein sequence. Four of five in-silico tools predict a benign effect of the variant on protein function. The variant was absent in 251092 control chromosomes (gnomAD). The available data on variant occurrences in the general population are insufficient to allow any conclusion about variant significance. To our knowledge, no occurrence of c.757A>T in individuals affected with Familial Encephalopathy With Neuroserpin Inclusion Bodies and no experimental evidence demonstrating its impact on protein function have been reported. No submitters have cited clinical-significance assessments for this variant to ClinVar after 2014. Based on the evidence outlined above, the variant was classified as uncertain significance.

NM_001122752.2(SERPINI1):c.757A>T (p.Met253Leu)

Gene: SERPINI1 (serpin family I member 1; plus strand). Cytogenetic location: 3q26.1.
Variant type: single nucleotide variant.
Coding change: c.757A>T on transcript NM_001122752.2 (MANE Select); coding-DNA position 757, A replaced by T.
Protein change: p.Met253Leu; replaces methionine 253 with leucine.
Molecular consequence: missense variant.
Genome position (GRCh38, 1-based): chr3:167,794,700, A>T. VCF-style: chr3-167794700-A-T. GRCh37 (hg19) VCF-style: chr3-167512488-A-T.
Other names: c.757A>T, p.Met253Leu (NM_005025.5); short protein forms M253L.
Identifiers: ClinVar variation 2627302 (VCV002627302.1), dbSNP rs1462773346, ClinGen allele CA355157070.
Genomic context (GRCh38, chr3:167,794,700, plus strand): 5'-AATGAAGCTGGTGGTATCTACCAAGTCCTAGAAATACCATATGAAGGAGATGAAATAAGC[A>T]TGATGCTGGTGCTGTCCAGACAGGAAGTTCCTCTTGCTACTCTGGAGCCATTAGTCAAAG-3'
Protein context (NP_001116224.1, residues 243-263): EIPYEGDEIS[Met253Leu]MLVLSRQEVP